The following is an entry in ClinVar:

NM_015330.6(SPECC1L):c.367A>G (p.Arg123Gly)

Genes: SPECC1L (sperm antigen with calponin homology and coiled-coil domains 1 like; plus strand), SPECC1L-ADORA2A (SPECC1L-ADORA2A readthrough (NMD candidate); plus strand). Cytogenetic location: 22q11.23.
Variant type: single nucleotide variant.
Coding change: c.367A>G on transcript NM_015330.6 (MANE Select); coding-DNA position 367, A replaced by G.
Protein change: p.Arg123Gly; replaces arginine 123 with glycine.
Molecular consequence: missense variant. On other transcripts: non-coding transcript variant (1).
Genome position (GRCh38, 1-based): chr22:24,321,347, A>G. VCF-style: chr22-24321347-A-G. GRCh37 (hg19) VCF-style: chr22-24717315-A-G.
Other names: c.367A>G, p.Arg123Gly (NM_001145468.4, NM_001254732.3); short protein forms R123G.
Identifiers: ClinVar variation 2580729 (VCV002580729.1), dbSNP rs1300800185, ClinGen allele CA410964747.

ClinVar aggregate classification (germline): Uncertain significance (1 of 4 stars; one submission).

Allele frequency attached by ClinVar (database versions not stated): gnomAD exomes below 0.00001.
gnomAD v4.1: 1 of 1,614,268 alleles (0.000062%); highest among the groups gnomAD compares: South Asian, 0.0011%; no homozygotes.

Submission:

GeneDx
Classification: Uncertain significance. Last evaluated: 2023-03-24. Review status: criteria provided, single submitter. Criteria: GeneDx Variant Classification Process June 2021. Collection method: clinical testing. Allele origin: germline. Affected: yes.
Comment: In silico analysis supports that this missense variant has a deleterious effect on protein structure/function; Has not been previously published as pathogenic or benign to our knowledge